The following is an entry in ClinVar:

ClinVar aggregate classification (germline): Uncertain significance (1 of 4 stars; one submission).

gnomAD v4.1: 1 of 1,614,086 alleles (0.000062%); no homozygotes.

Submission:

Labcorp Genetics (formerly Invitae), Labcorp
Classification: Uncertain significance. Last evaluated: 2023-02-20. Review status: criteria provided, single submitter. Criteria: Invitae Variant Classification Sherloc (09022015). Collection method: clinical testing. Allele origin: germline.
Comment: In summary, the available evidence is currently insufficient to determine the role of this variant in disease. Therefore, it has been classified as a Variant of Uncertain Significance. An algorithm developed to predict the effect of missense changes on protein structure and function (PolyPhen-2) suggests that this variant is likely to be disruptive. This variant has not been reported in the literature in individuals affected with HPS4-related conditions. This variant is not present in population databases (gnomAD no frequency). This sequence change replaces arginine, which is basic and polar, with glycine, which is neutral and non-polar, at codon 76 of the HPS4 protein (p.Arg76Gly).

NM_022081.6(HPS4):c.226C>G (p.Arg76Gly)

Gene: HPS4 (HPS4 biogenesis of lysosomal organelles complex 3 subunit 2; minus strand). Cytogenetic location: 22q12.1.
Variant type: single nucleotide variant.
Coding change: c.226C>G on transcript NM_022081.6 (MANE Select); coding-DNA position 226, C replaced by G.
Protein change: p.Arg76Gly; replaces arginine 76 with glycine.
Molecular consequence: missense variant. On other transcripts: non-coding transcript variant (8).
Genome position (GRCh38, 1-based): chr22:26,477,043, G>C on the plus strand (C>G on the coding strand, the complement: HPS4 is on the minus strand). VCF-style: chr22-26477043-G-C. GRCh37 (hg19) VCF-style: chr22-26873009-G-C.
Other names: c.226C>G, p.Arg76Gly (NM_001349896.1, NM_001349898.2, NM_001349899.2 and 7 more transcripts); c.211C>G, p.Arg71Gly (NM_152841.2); short protein forms R71G, R76G.
Identifiers: ClinVar variation 2801019 (VCV002801019.3), dbSNP rs141684342, ClinGen allele CA411032429.